The following is an entry in ClinVar:

ClinVar aggregate classification (germline): Conflicting classifications of pathogenicity. Review status: criteria provided, conflicting classifications (1 of 4 stars). 6 submissions from 6 submitters: Uncertain significance (3); Likely benign (3). Last evaluated 2026-06-17.

Conditions:
Congenital contractural arachnodactyly (CCA). Also called: BEALS SYNDROME; Beals-Hecht syndrome; Arthrogryposis, distal, type 9. Identifiers: Orphanet 115, MedGen C0220668, MONDO:0007363, OMIM 121050.
Familial thoracic aortic aneurysm and aortic dissection (TAAD). Also called: Thoracic aortic aneurysms and dissections. Identifiers: Orphanet 91387, MedGen C4707243, MONDO:0019625.

Allele frequency attached by ClinVar (database versions not stated): gnomAD 0.00001; TOPMed 0.00002; gnomAD exomes 0.00003 and 0.00006; ExAC 0.00004.
gnomAD v4.1: 42 of 1,614,046 alleles (0.0026%); highest among the groups gnomAD compares: Middle Eastern, 0.43%; 1 homozygote.

Submissions (6):

Ambry Genetics
Classification: Uncertain significance for Familial thoracic aortic aneurysm and aortic dissection. Last evaluated: 2026-06-17. Review status: criteria provided, single submitter. Criteria: Ambry Variant Classification Scheme 2023. Collection method: clinical testing. Allele origin: germline.

CeGaT Center for Human Genetics Tuebingen
Classification: Likely benign. Last evaluated: 2026-04-01. Review status: criteria provided, single submitter. Criteria: CeGaT Center For Human Genetics Tuebingen Variant Classification Criteria Version 2. Collection method: clinical testing. Allele origin: germline. Affected: yes. Observed: 2 variant alleles.
Comment: FBN2: BS1

Labcorp Genetics (formerly Invitae), Labcorp
Classification: Likely benign for Congenital contractural arachnodactyly. Last evaluated: 2025-04-22. Review status: criteria provided, single submitter. Criteria: Invitae Variant Classification Sherloc (09022015). Collection method: clinical testing. Allele origin: germline.

GeneDx
Classification: Uncertain significance. Last evaluated: 2023-08-04. Review status: criteria provided, single submitter. Criteria: GeneDx Variant Classification Process June 2021. Collection method: clinical testing. Allele origin: germline. Affected: yes.
Comment: Has not been previously published as pathogenic or benign to our knowledge; In silico analysis supports that this missense variant has a deleterious effect on protein structure/function

Blueprint Genetics
Classification: Likely benign. Last evaluated: 2023-06-19. Review status: criteria provided, single submitter. Criteria: ACMG Guidelines, 2015. Collection method: clinical testing. Allele origin: germline.

Center for Human Genetics, Inc
Classification: Uncertain significance for Congenital contractural arachnodactyly. Last evaluated: 2016-11-01. Review status: criteria provided, single submitter. Criteria: ACMG Guidelines, 2015. Collection method: clinical testing. Allele origin: germline. Affected: yes.

NM_001999.4(FBN2):c.5303T>C (p.Val1768Ala)

Gene: FBN2 (fibrillin 2; minus strand). Cytogenetic location: 5q23.3.
Variant type: single nucleotide variant.
Coding change: c.5303T>C on transcript NM_001999.4 (MANE Select); coding-DNA position 5303, T replaced by C.
Protein change: p.Val1768Ala; replaces valine 1768 with alanine.
Molecular consequence: missense variant.
Genome position (GRCh38, 1-based): chr5:128,309,297, A>G on the plus strand (T>C on the coding strand, the complement: FBN2 is on the minus strand). VCF-style: chr5-128309297-A-G. GRCh37 (hg19) VCF-style: chr5-127644989-A-G.
Other names: short protein forms V1768A.
Identifiers: ClinVar variation 213338 (VCV000213338.40), dbSNP rs779202876, ClinGen allele CA319964.